The following is an entry in ClinVar:

ClinVar aggregate classification (germline): Likely benign. Review status: criteria provided, multiple submitters, no conflicts (2 of 4 stars). 4 submissions from 4 submitters: Likely benign (4). Last evaluated 2025-04-10.

Conditions:
COL2A1-related disorder. Also called: COL2A1-related condition; COL2A1-related disorders.

Allele frequency attached by ClinVar (database versions not stated): ExAC 0.00002; gnomAD exomes 0.00003 and 0.00004; gnomAD 0.00004; TOPMed 0.00006; ESP Exome Variant Server 0.00008.
gnomAD v4.1: 54 of 1,612,870 alleles (0.0033%); highest among the groups gnomAD compares: Middle Eastern, 0.016%; no homozygotes.

Submissions (4):

PreventionGenetics, part of Exact Sciences
Classification: Likely benign for COL2A1-related condition. Last evaluated: 2025-04-10. Review status: criteria provided, single submitter. Criteria: ACMG Guidelines, 2015. Collection method: clinical testing. Allele origin: germline.
Comment: This variant is classified as likely benign based on ACMG/AMP sequence variant interpretation guidelines (Richards et al. 2015 PMID: 25741868, with internal and published modifications).

Labcorp Genetics (formerly Invitae), Labcorp
Classification: Likely benign. Last evaluated: 2025-01-30. Review status: criteria provided, single submitter. Criteria: Invitae Variant Classification Sherloc (09022015). Collection method: clinical testing. Allele origin: germline.

Blueprint Genetics
Classification: Likely benign. Last evaluated: 2024-11-01. Review status: criteria provided, single submitter. Criteria: ACMG Guidelines, 2015. Collection method: clinical testing. Allele origin: germline.

GeneDx
Classification: Likely benign. Last evaluated: 2021-04-01. Review status: criteria provided, single submitter. Criteria: GeneDx Variant Classification Process June 2021. Collection method: clinical testing. Allele origin: germline. Affected: yes.

NM_001844.5(COL2A1):c.3507C>T (p.Val1169=)

Gene: COL2A1 (collagen type II alpha 1 chain; minus strand). Cytogenetic location: 12q13.11.
Variant type: single nucleotide variant.
Coding change: c.3507C>T on transcript NM_001844.5 (MANE Select); coding-DNA position 3507, C replaced by T.
Protein change: p.Val1169=; no amino-acid change (valine 1169 retained).
Molecular consequence: synonymous variant.
Genome position (GRCh38, 1-based): chr12:47,976,053, G>A on the plus strand (C>T on the coding strand, the complement: COL2A1 is on the minus strand). VCF-style: chr12-47976053-G-A. GRCh37 (hg19) VCF-style: chr12-48369836-G-A.
Other names: c.3300C>T, p.Val1100= (NM_033150.3).
Identifiers: ClinVar variation 1339628 (VCV001339628.11), dbSNP rs371633786, ClinGen allele CA6534716.
Genomic context (GRCh38, chr12:47,976,053, plus strand): 5'-GGGACCAGGAGGCCCAATGGGGCCAGGGATTCCATTAGCACCATCTTTGCCAGAGGGACC[G>A]ACGGGGCCAGGAGGACCCTGCAAGAGAGAGAGGTCGTGAGGAAAGAGTGGTCACCACAGG-3'
Protein context (NP_001835.3, residues 1159-1179): PSGPRGPPGP[Val1169=]GPSGKDGANG